The following is an entry in ClinVar:

NC_000004.12:g.154562863C>T

Gene: FGB (fibrinogen beta chain; plus strand). Cytogenetic location: 4q31.3.
Variant type: single nucleotide variant.
Genome position: GRCh38 VCF-style: chr4-154562863-C-T. GRCh37 (hg19) VCF-style: chr4-155484015-C-T.
Other names: -148T-C.
Identifiers: ClinVar variation 1233839 (VCV001233839.6), dbSNP rs1800787, ClinGen allele CA108749021.

ClinVar aggregate classification (germline): Benign. Review status: criteria provided, multiple submitters, no conflicts (2 of 4 stars). 3 submissions from 3 submitters: Benign (2). 1 of the submissions does not count toward it. Last evaluated 2018-11-12.

Conditions:
FIBRINOGEN, BETA-148 POLYMORPHISM.

Allele frequency attached by ClinVar (database versions not stated): 1000 Genomes Project 30x 0.15693; 1000 Genomes Project 0.16094; TOPMed 0.16723; gnomAD 0.16725 and 0.16776; gnomAD exomes 0.18963.

Submissions (3):

GeneDx
Classification: Benign. Last evaluated: 2018-11-12. Review status: criteria provided, single submitter. Criteria: GeneDx Variant Classification Process June 2021. Collection method: clinical testing. Allele origin: germline. Affected: yes.
Comment: This variant is associated with the following publications: (PMID: 28924539, 19508823, 16080811, 15737987, 21499712, 20167083)

Breakthrough Genomics
Classification: Benign. Review status: criteria provided, single submitter. Criteria: ACMG Guidelines, 2015. Collection method: not provided. Allele origin: germline. Inheritance: Autosomal recessive inheritance. Affected: yes.

OMIM
Classification: Benign for FIBRINOGEN, BETA-148 POLYMORPHISM. Last evaluated: 2001-06-26. Review status: no assertion criteria provided. Collection method: literature only. Allele origin: germline. Not counted in ClinVar's aggregate classification.

Literature cited by the submitters: PubMed 11425767 (cited by OMIM).